The following is an entry in ClinVar:

ClinVar aggregate classification (germline): Uncertain significance (1 of 4 stars; one submission).

Conditions:
Cardiovascular phenotype. Identifiers: MedGen CN230736.

Submission:

Ambry Genetics
Classification: Uncertain significance for Cardiovascular phenotype. Last evaluated: 2025-11-07. Review status: criteria provided, single submitter. Criteria: Ambry Variant Classification Scheme 2023. Collection method: clinical testing. Allele origin: germline.
Comment: The p.P28R variant (also known as c.83C>G), located in coding exon 1 of the FOXE3 gene, results from a C to G substitution at nucleotide position 83. The proline at codon 28 is replaced by arginine, an amino acid with dissimilar properties. This amino acid position is conserved. In addition, this alteration is predicted to be tolerated by in silico analysis. Based on the available evidence, the clinical significance of this variant remains unclear.

NM_012186.3(FOXE3):c.83C>G (p.Pro28Arg)

Genes: FOXE3 (forkhead box E3; plus strand), LINC01389 (long intergenic non-protein coding RNA 1389; minus strand). Cytogenetic location: 1p33.
Variant type: single nucleotide variant.
Coding change: c.83C>G on transcript NM_012186.3 (MANE Select); coding-DNA position 83, C replaced by G.
Protein change: p.Pro28Arg; replaces proline 28 with arginine.
Molecular consequence: missense variant.
Genome position (GRCh38, 1-based): chr1:47,416,398, C>G. VCF-style: chr1-47416398-C-G. GRCh37 (hg19) VCF-style: chr1-47882070-C-G.
Other names: short protein forms P28R.
Identifiers: ClinVar variation 4614222 (VCV004614222.1).
Genomic context (GRCh38, chr1:47,416,398, plus strand): 5'-ATCCGCCCGCCGCGTTCTCTGGCTTCCCTGCCCTGCCAGCGGTCGCGCCGTCGGGGCCGC[C>G]GCCGTCGCCGCTCGCAGGAGCCGAGCCAGGGCGGGAGCCAGAGGAGGCGGCGGCTGGCCG-3'
Protein context (NP_036318.1, residues 18-38): ALPAVAPSGP[Pro28Arg]PSPLAGAEPG